The following is an entry in ClinVar:

NM_000059.4(BRCA2):c.2754C>T (p.Asn918=)

Gene: BRCA2 (BRCA2 DNA repair associated; plus strand). Cytogenetic location: 13q13.1.
Variant type: single nucleotide variant.
Coding change: c.2754C>T on transcript NM_000059.4 (MANE Select); coding-DNA position 2754, C replaced by T.
Protein change: p.Asn918=; no amino-acid change (asparagine 918 retained).
Molecular consequence: synonymous variant.
Genome position (GRCh38, 1-based): chr13:32,337,109, C>T. VCF-style: chr13-32337109-C-T. GRCh37 (hg19) VCF-style: chr13-32911246-C-T.
Identifiers: ClinVar variation 185351 (VCV000185351.27), dbSNP rs753073979, ClinGen allele CA016262.

ClinVar aggregate classification (germline): Likely benign. Review status: reviewed by expert panel (3 of 4 stars). 9 submissions from 9 submitters: Likely benign (1). 8 of the submissions do not count toward it. Last evaluated 2017-06-29.

Conditions:
Hereditary cancer-predisposing syndrome. Also called: Tumor predisposition; Hereditary Cancer Syndrome; Hereditary neoplastic syndrome; Neoplastic Syndromes, Hereditary. Identifiers: Orphanet 140162, MedGen C0027672, MeSH D009386, MONDO:0015356.
Hereditary breast ovarian cancer syndrome. Also called: Breast and ovarian cancer; Hereditary breast and ovarian cancer syndrome; Hereditary breast and ovarian cancer; BRCA1- and BRCA2-Associated Hereditary Breast and Ovarian Cancer; Hereditary breast and ovarian cancer syndrome (HBOC); Hereditary breast and/or ovarian cancer syndrome. Identifiers: Orphanet 145, MedGen C0677776, MeSH D061325, MONDO:0003582. Disease mechanism: loss of function.
Breast-ovarian cancer, familial, susceptibility to, 2 (BROVCA2). Also called: BRCA2 Hereditary Breast and Ovarian Cancer. Identifiers: Orphanet 145, MedGen C2675520, MONDO:0012933, OMIM 612555. Disease mechanism: loss of function.

Allele frequency attached by ClinVar (database versions not stated): TOPMed below 0.00001; gnomAD 0.00001 and 0.00002; gnomAD exomes 0.00001 and 0.00002; ExAC 0.00002.
gnomAD v4.1: 22 of 1,613,616 alleles (0.0014%); highest among the groups gnomAD compares: South Asian, 0.0044%; no homozygotes.

Submissions (9):

Evidence-based Network for the Interpretation of Germline Mutant Alleles (ENIGMA)
Classification: Likely benign for Breast-ovarian cancer, familial, susceptibility to, 2. Last evaluated: 2017-06-29. Review status: reviewed by expert panel. Criteria: ENIGMA BRCA1/2 Classification Criteria (2017-06-29). Collection method: curation. Allele origin: germline.
Comment: Synonymous substitution variant, with low bioinformatic likelihood to result in a splicing aberration (Splicing prior probability 0.02).

Labcorp Genetics (formerly Invitae), Labcorp
Classification: Likely benign for Hereditary breast ovarian cancer syndrome. Last evaluated: 2026-01-26. Review status: criteria provided, single submitter. Criteria: Invitae Variant Classification Sherloc (09022015). Collection method: clinical testing. Allele origin: germline. Not counted in ClinVar's aggregate classification.

All of Us Research Program, National Institutes of Health
Classification: Likely benign for Breast-ovarian cancer, familial, susceptibility to, 2. Last evaluated: 2023-10-27. Review status: criteria provided, single submitter. Criteria: ACMG Guidelines, 2015. Collection method: clinical testing. Allele origin: germline. Inheritance: Autosomal dominant inheritance. Observed: 2 variant alleles, 2 heterozygotes. Not counted in ClinVar's aggregate classification.
Comment: This study involves interpretation of variants in research participants for the purpose of population health screening. Participant phenotype was not available at the time of variant classification. Additional details can be found in publication PMID: 35346344, PMCID: PMC8962531

Quest Diagnostics Nichols Institute San Juan Capistrano
Classification: Likely benign. Last evaluated: 2023-09-12. Review status: criteria provided, single submitter. Criteria: Quest Diagnostics criteria. Collection method: clinical testing. Allele origin: unknown. Not counted in ClinVar's aggregate classification.

Sema4
Classification: Likely benign for Hereditary cancer-predisposing syndrome. Last evaluated: 2021-12-18. Review status: criteria provided, single submitter. Criteria: Sema4 Curation Guidelines. Collection method: curation. Allele origin: germline. Not counted in ClinVar's aggregate classification.

Women's Health and Genetics/Laboratory Corporation of America, LabCorp
Classification: Likely benign. Last evaluated: 2020-01-20. Review status: criteria provided, single submitter. Criteria: LabCorp Variant Classification Summary - May 2015. Collection method: clinical testing. Allele origin: germline. Not counted in ClinVar's aggregate classification.

GeneDx
Classification: Likely benign. Last evaluated: 2018-11-05. Review status: criteria provided, single submitter. Criteria: GeneDx Variant Classification Process June 2021. Collection method: clinical testing. Allele origin: germline. Affected: yes. Not counted in ClinVar's aggregate classification.
Comment: This variant is associated with the following publications: (PMID: 21702907, 21318380)

Color Diagnostics, LLC DBA Color Health
Classification: Likely benign for Hereditary cancer-predisposing syndrome. Last evaluated: 2017-08-21. Review status: criteria provided, single submitter. Criteria: ACMG Guidelines, 2015. Collection method: clinical testing. Allele origin: germline. Not counted in ClinVar's aggregate classification.

Ambry Genetics
Classification: Likely benign for Hereditary cancer-predisposing syndrome. Last evaluated: 2014-06-24. Review status: criteria provided, single submitter. Criteria: Ambry Variant Classification Scheme 2023. Collection method: clinical testing. Allele origin: germline. Not counted in ClinVar's aggregate classification.

Literature cited by the submitters: PubMed 21318380 (cited by Quest Diagnostics Nichols Institute San Juan Capistrano and Women's Health and Genetics/Laboratory Corporation of America, LabCorp); PubMed 21702907 (cited by Quest Diagnostics Nichols Institute San Juan Capistrano and Women's Health and Genetics/Laboratory Corporation of America, LabCorp).